The following is an entry in ClinVar:

ClinVar aggregate classification (germline): Conflicting classifications of pathogenicity. Review status: criteria provided, conflicting classifications (1 of 4 stars). 5 submissions from 5 submitters: Uncertain significance (4); Likely benign (1). Last evaluated 2023-02-27.

Conditions:
Cardiomyopathy (CMYO). Also called: Cardiomyopathies. Identifiers: Orphanet 167848, MedGen C0878544, MONDO:0004994, HP:0001638. Inheritance: Various modes of inheritance.
Cardiovascular phenotype. Identifiers: MedGen CN230736.

Allele frequency attached by ClinVar (database versions not stated): ExAC 0.00002; gnomAD exomes 0.00002 and 0.00005; TOPMed 0.00003; gnomAD 0.00005 and 0.00006.
gnomAD v4.1: 76 of 1,613,174 alleles (0.0047%); highest among the groups gnomAD compares: Non-Finnish European, 0.0062%; no homozygotes.

Submissions (5):

Mayo Clinic Laboratories, Mayo Clinic
Classification: Uncertain significance. Last evaluated: 2023-02-27. Review status: criteria provided, single submitter. Criteria: ACMG Guidelines, 2015. Collection method: clinical testing. Allele origin: germline. Observed: 1 variant allele.

Revvity Omics, Revvity
Classification: Uncertain significance. Last evaluated: 2022-09-01. Review status: criteria provided, single submitter. Criteria: ACMG Guidelines, 2015. Collection method: clinical testing. Allele origin: germline.

CHEO Genetics Diagnostic Laboratory, Children's Hospital of Eastern Ontario
Classification: Uncertain significance for Cardiomyopathy. Last evaluated: 2021-05-05. Review status: criteria provided, single submitter. Criteria: ACMG Guidelines, 2015. Collection method: clinical testing. Allele origin: germline.

GeneDx
Classification: Likely benign. Last evaluated: 2020-07-15. Review status: criteria provided, single submitter. Criteria: GeneDx Variant Classification Process June 2021. Collection method: clinical testing. Allele origin: germline. Affected: yes.

Ambry Genetics
Classification: Uncertain significance for Cardiovascular phenotype. Last evaluated: 2013-05-20. Review status: criteria provided, single submitter. Criteria: Ambry Autosomal Dominant and X-Linked criteria (10/2015). Collection method: clinical testing. Allele origin: germline. Observed: 1 variant allele.
Comment: There is insufficient or conflicting evidence for classification of this alteration.

NM_001267550.2(TTN):c.97579G>A (p.Gly32527Ser)

Genes: TTN (titin; minus strand), TTN-AS1 (TTN antisense RNA 1; plus strand). Cytogenetic location: 2q31.2.
Variant type: single nucleotide variant.
Coding change: c.97579G>A on transcript NM_001267550.2 (MANE Select); coding-DNA position 97579, G replaced by A.
Protein change: p.Gly32527Ser; replaces glycine 32527 with serine.
Molecular consequence: missense variant.
Genome position (GRCh38, 1-based): chr2:178,541,498, C>T on the plus strand (G>A on the coding strand, the complement: TTN is on the minus strand). VCF-style: chr2-178541498-C-T. GRCh37 (hg19) VCF-style: chr2-179406225-C-T.
Other names: p.Gly29959Ser; c.92656G>A, p.Gly30886Ser (NM_001256850.1); c.70384G>A, p.Gly23462Ser (NM_003319.4); c.89875G>A, p.Gly29959Ser (NM_133378.4); c.70759G>A, p.Gly23587Ser (NM_133432.3); c.70960G>A, p.Gly23654Ser (NM_133437.4); short protein forms G29959S, G32527S, G23462S, G23587S, G30886S, G23654S.
Identifiers: ClinVar variation 263602 (VCV000263602.11), dbSNP rs762160311, ClinGen allele CA1986523.